The following is an entry in ClinVar:

ClinVar aggregate classification (germline): Uncertain significance (1 of 4 stars; one submission).

Conditions:
Inborn genetic diseases. Identifiers: MedGen C0950123, MeSH D030342.

Submission:

Ambry Genetics
Classification: Uncertain significance for Inborn genetic diseases. Last evaluated: 2025-05-18. Review status: criteria provided, single submitter. Criteria: Ambry Variant Classification Scheme 2023. Collection method: clinical testing. Allele origin: germline.
Comment: The p.N1443Y variant (also known as c.4327A>T), located in coding exon 16 of the FANCM gene, results from an A to T substitution at nucleotide position 4327. The asparagine at codon 1443 is replaced by tyrosine, an amino acid with dissimilar properties. This amino acid position is conserved. In addition, this alteration is predicted to be tolerated by in silico analysis. Based on the available evidence, the clinical significance of this variant remains unclear.

NM_020937.4(FANCM):c.4327A>T (p.Asn1443Tyr)

Gene: FANCM (FA complementation group M; plus strand). Cytogenetic location: 14q21.2.
Variant type: single nucleotide variant.
Coding change: c.4327A>T on transcript NM_020937.4 (MANE Select); coding-DNA position 4327, A replaced by T.
Protein change: p.Asn1443Tyr; replaces asparagine 1443 with tyrosine.
Molecular consequence: missense variant.
Genome position (GRCh38, 1-based): chr14:45,181,646, A>T. VCF-style: chr14-45181646-A-T. GRCh37 (hg19) VCF-style: chr14-45650849-A-T.
Other names: c.4249A>T, p.Asn1417Tyr (NM_001308133.2); short protein forms N1417Y, N1443Y.
Identifiers: ClinVar variation 4022793 (VCV004022793.1).